The following is an entry in ClinVar:

ClinVar aggregate classification (germline): Uncertain significance. Review status: criteria provided, multiple submitters, no conflicts (2 of 4 stars). 2 submissions from 2 submitters: Uncertain significance (2). Last evaluated 2025-04-17.

Conditions:
Hajdu-Cheney syndrome (HJCYS). Also called: ACROOSTEOLYSIS WITH OSTEOPOROSIS AND CHANGES IN SKULL AND MANDIBLE; SERPENTINE FIBULA-POLYCYSTIC KIDNEY SYNDROME; Acroosteolysis dominant type. Identifiers: Orphanet 955, MedGen C0917715, MONDO:0007057, OMIM 102500.

gnomAD v4.1: 19 of 1,614,202 alleles (0.0012%); highest among the groups gnomAD compares: African/African-American, 0.0053%; no homozygotes.

Submissions (2):

Labcorp Genetics (formerly Invitae), Labcorp
Classification: Uncertain significance for Hajdu-Cheney syndrome. Last evaluated: 2025-04-17. Review status: criteria provided, single submitter. Criteria: Invitae Variant Classification Sherloc (09022015). Collection method: clinical testing. Allele origin: germline.
Comment: This sequence change replaces asparagine, which is neutral and polar, with serine, which is neutral and polar, at codon 969 of the NOTCH2 protein (p.Asn969Ser). This variant is present in population databases (rs142978777, gnomAD 0.007%). This missense change has been observed in individual(s) with clinical features of Alagille syndrome (PMID: 34906515). ClinVar contains an entry for this variant (Variation ID: 3668801). Invitae Evidence Modeling of protein sequence and biophysical properties (such as structural, functional, and spatial information, amino acid conservation, physicochemical variation, residue mobility, and thermodynamic stability) indicates that this missense variant is not expected to disrupt NOTCH2 protein function with a negative predictive value of 80%. In summary, the available evidence is currently insufficient to determine the role of this variant in disease. Therefore, it has been classified as a Variant of Uncertain Significance.

CeGaT Center for Human Genetics Tuebingen
Classification: Uncertain significance. Last evaluated: 2025-03-01. Review status: criteria provided, single submitter. Criteria: CeGaT Center For Human Genetics Tuebingen Variant Classification Criteria Version 2. Collection method: clinical testing. Allele origin: germline. Affected: yes. Observed: 1 variant allele.
Comment: NOTCH2: PM2:Supporting, BP4

Literature cited by the submitters: PubMed 34906515 (cited by Labcorp Genetics (formerly Invitae), Labcorp).

NM_024408.4(NOTCH2):c.2906A>G (p.Asn969Ser)

Gene: NOTCH2 (notch receptor 2; minus strand). Cytogenetic location: 1p12.
Variant type: single nucleotide variant.
Coding change: c.2906A>G on transcript NM_024408.4 (MANE Select); coding-DNA position 2906, A replaced by G.
Protein change: p.Asn969Ser; replaces asparagine 969 with serine.
Molecular consequence: missense variant.
Genome position (GRCh38, 1-based): chr1:119,941,601, T>C on the plus strand (A>G on the coding strand, the complement: NOTCH2 is on the minus strand). VCF-style: chr1-119941601-T-C. GRCh37 (hg19) VCF-style: chr1-120484224-T-C.
Other names: c.2906A>G, p.Asn969Ser (NM_001200001.2); short protein forms N969S.
Identifiers: ClinVar variation 3668801 (VCV003668801.9).
Genomic context (GRCh38, chr1:119,941,601, plus strand): 5'-TTGATGTTGTTCTCACAATGGACTCCATCAAATCCTGCCTGGCACTTGCAAGTGTAACTG[T>C]TGACGTAGTCAGAGCAGGTCCCTCCATTCTTACAGGGTTCACTCAGACACTCATTCATGT-3'
Protein context (NP_077719.2, residues 959-979): KNGGTCSDYV[Asn969Ser]SYTCKCQAGF